The following is an entry in ClinVar:

ClinVar aggregate classification (germline): Uncertain significance (1 of 4 stars; one submission).

Conditions:
Peroxisome biogenesis disorder 5A (Zellweger) (PBD5A). Identifiers: Orphanet 912, MedGen C3553940, MONDO:0013932, OMIM 614866.

Submission:

Labcorp Genetics (formerly Invitae), Labcorp
Classification: Uncertain significance for Peroxisome biogenesis disorder 5A (Zellweger). Last evaluated: 2024-07-22. Review status: criteria provided, single submitter. Criteria: Invitae Variant Classification Sherloc (09022015). Collection method: clinical testing. Allele origin: germline.
Comment: This sequence change replaces lysine, which is basic and polar, with asparagine, which is neutral and polar, at codon 219 of the PEX2 protein (p.Lys219Asn). This variant is not present in population databases (gnomAD no frequency). This variant has not been reported in the literature in individuals affected with PEX2-related conditions. ClinVar contains an entry for this variant (Variation ID: 1489114). Advanced modeling of protein sequence and biophysical properties (such as structural, functional, and spatial information, amino acid conservation, physicochemical variation, residue mobility, and thermodynamic stability) performed at Invitae indicates that this missense variant is not expected to disrupt PEX2 protein function with a negative predictive value of 80%. In summary, the available evidence is currently insufficient to determine the role of this variant in disease. Therefore, it has been classified as a Variant of Uncertain Significance.

NM_000318.3(PEX2):c.657G>C (p.Lys219Asn)

Gene: PEX2 (peroxisomal biogenesis factor 2; minus strand). Cytogenetic location: 8q21.13.
Variant type: single nucleotide variant.
Coding change: c.657G>C on transcript NM_000318.3 (MANE Select); coding-DNA position 657, G replaced by C.
Protein change: p.Lys219Asn; replaces lysine 219 with asparagine.
Molecular consequence: missense variant.
Genome position (GRCh38, 1-based): chr8:76,983,522, C>G on the plus strand (G>C on the coding strand, the complement: PEX2 is on the minus strand). VCF-style: chr8-76983522-C-G. GRCh37 (hg19) VCF-style: chr8-77895758-C-G.
Other names: c.657G>C, p.Lys219Asn (NM_001079867.2, NM_001172086.2, NM_001172087.2); short protein forms K219N.
Identifiers: ClinVar variation 1489114 (VCV001489114.6), dbSNP rs1806902121, ClinGen allele CA371556861.